The following is an entry in ClinVar:

NM_006514.4(SCN10A):c.3760G>A (p.Ala1254Thr)

Gene: SCN10A (sodium voltage-gated channel alpha subunit 10; minus strand). Cytogenetic location: 3p22.2.
Variant type: single nucleotide variant.
Coding change: c.3760G>A on transcript NM_006514.4 (MANE Select); coding-DNA position 3760, G replaced by A.
Protein change: p.Ala1254Thr; replaces alanine 1254 with threonine.
Molecular consequence: missense variant.
Genome position (GRCh38, 1-based): chr3:38,714,002, C>T on the plus strand (G>A on the coding strand, the complement: SCN10A is on the minus strand). VCF-style: chr3-38714002-C-T. GRCh37 (hg19) VCF-style: chr3-38755493-C-T.
Other names: c.3757G>A, p.Ala1253Thr (NM_001293306.2); c.3466G>A, p.Ala1156Thr (NM_001293307.2); c.3760G>A (NM_006514.2); short protein forms A1156T, A1253T, A1254T.
Identifiers: ClinVar variation 1059554 (VCV001059554.4), dbSNP rs773155259, ClinGen allele CA2320128.

ClinVar aggregate classification (germline): Uncertain significance. Review status: criteria provided, multiple submitters, no conflicts (2 of 4 stars). 2 submissions from 2 submitters: Uncertain significance (2). Last evaluated 2025-08-05.

Conditions:
Brugada syndrome. Also called: Sudden unexplained nocturnal death syndrome; Sudden unexpected nocturnal death syndrome; Sudden Unexplained Death Syndrome; Sudden Unexplained Nocturnal Death Syndrome (SUNDS). Identifiers: Orphanet 130, MedGen C1142166, MONDO:0015263.
Cardiovascular phenotype. Identifiers: MedGen CN230736.

Allele frequency attached by ClinVar (database versions not stated): gnomAD 0.00002; TOPMed 0.00002; ExAC 0.00003.
gnomAD v4.1: 56 of 1,613,906 alleles (0.0035%); highest among the groups gnomAD compares: Middle Eastern, 0.017%; no homozygotes.

Submissions (2):

Ambry Genetics
Classification: Uncertain significance for Cardiovascular phenotype. Last evaluated: 2025-08-05. Review status: criteria provided, single submitter. Criteria: Ambry Variant Classification Scheme 2023. Collection method: clinical testing. Allele origin: germline.

Labcorp Genetics (formerly Invitae), Labcorp
Classification: Uncertain significance for Brugada syndrome. Last evaluated: 2022-08-16. Review status: criteria provided, single submitter. Criteria: Invitae Variant Classification Sherloc (09022015). Collection method: clinical testing. Allele origin: germline.
Comment: This sequence change replaces alanine, which is neutral and non-polar, with threonine, which is neutral and polar, at codon 1254 of the SCN10A protein (p.Ala1254Thr). This variant is present in population databases (rs773155259, gnomAD 0.004%). This variant has not been reported in the literature in individuals affected with SCN10A-related conditions. ClinVar contains an entry for this variant (Variation ID: 1059554). Advanced modeling of protein sequence and biophysical properties (such as structural, functional, and spatial information, amino acid conservation, physicochemical variation, residue mobility, and thermodynamic stability) performed at Invitae indicates that this missense variant is expected to disrupt SCN10A protein function. In summary, the available evidence is currently insufficient to determine the role of this variant in disease. Therefore, it has been classified as a Variant of Uncertain Significance.